The following is an entry in ClinVar:

NM_000532.5(PCCB):c.1172_1173del (p.Phe391fs)

Gene: PCCB (propionyl-CoA carboxylase subunit beta; plus strand). Cytogenetic location: 3q22.3.
Variant type: Deletion.
Coding change: c.1172_1173del on transcript NM_000532.5 (MANE Select); coding-DNA positions 1172 to 1173, 2 bases deleted (TT; older notation c.1172_1173delTT).
Protein change: p.Phe391fs; shifts the reading frame from phenylalanine 391.
Molecular consequence: frameshift variant.
Genome position (GRCh38, 1-based): chr3:136,326,884-136,326,885, TT deleted; deleting any 2 consecutive bases within chr3:136,326,882-136,326,885 gives the same sequence; the c. name uses the placement nearest the transcript's 3' end. VCF-style (leftmost placement, unchanged base first): chr3-136326881-CTT-C. GRCh37 (hg19) VCF-style: chr3-136045723-CTT-C.
Other names: c.1232_1233del, p.Phe411fs (NM_001178014.2); short protein forms F411fs, F391fs.
Identifiers: ClinVar variation 659170 (VCV000659170.6), dbSNP rs587776758, ClinGen allele CA899360112.

ClinVar aggregate classification (germline): Pathogenic (1 of 4 stars; one submission).

Conditions:
Propionic acidemia (PROP). Also called: GLYCINEMIA, KETOTIC; HYPERGLYCINEMIA WITH KETOACIDOSIS AND LEUKOPENIA; KETOTIC HYPERGLYCINEMIA. Identifiers: Orphanet 35, MedGen C0268579, MONDO:0011628, OMIM 606054, HP:0003571.

Submission:

Labcorp Genetics (formerly Invitae), Labcorp
Classification: Pathogenic for Propionic acidemia. Last evaluated: 2023-06-04. Review status: criteria provided, single submitter. Criteria: Invitae Variant Classification Sherloc (09022015). Collection method: clinical testing. Allele origin: germline.
Comment: This sequence change creates a premature translational stop signal (p.Phe391Cysfs*2) in the PCCB gene. It is expected to result in an absent or disrupted protein product. Loss-of-function variants in PCCB are known to be pathogenic (PMID: 15464417). This variant is not present in population databases (gnomAD no frequency). This premature translational stop signal has been observed in individual(s) with propionic acidemia (PMID: 30274917). ClinVar contains an entry for this variant (Variation ID: 659170). For these reasons, this variant has been classified as Pathogenic.

Literature cited by the submitters: PubMed 15464417; PubMed 30274917.